The following is an entry in ClinVar:

NM_000138.5(FBN1):c.4729T>G (p.Cys1577Gly)

Gene: FBN1 (fibrillin 1; minus strand). Cytogenetic location: 15q21.1.
Variant type: single nucleotide variant.
Coding change: c.4729T>G on transcript NM_000138.5 (MANE Select); coding-DNA position 4729, T replaced by G.
Protein change: p.Cys1577Gly; replaces cysteine 1577 with glycine.
Molecular consequence: missense variant.
Genome position (GRCh38, 1-based): chr15:48,467,956, A>C on the plus strand (T>G on the coding strand, the complement: FBN1 is on the minus strand). VCF-style: chr15-48467956-A-C. GRCh37 (hg19) VCF-style: chr15-48760153-A-C.
Other names: short protein forms C1577G.
Identifiers: ClinVar variation 16472 (VCV000016472.3), dbSNP rs267606801, ClinGen allele CA015386.
Genomic context (GRCh38, chr15:48,467,956, plus strand): 5'-GCTGGAGTTGAAATAATAATAAATAGGAGGATGTCCACTTACATGTGTTCACAGCAGGAC[A>C]CATCTCACAAGGAGTACCCCAGGCTTTACCCAGAGAACAGCAGCAGGAAGCTTTGGAAAC-3'
Protein context (NP_000129.3, residues 1567-1587): GKAWGTPCEM[Cys1577Gly]PAVNTSEYKI

ClinVar aggregate classification (germline): Pathogenic. Review status: criteria provided, single submitter (1 of 4 stars). 2 submissions from 2 submitters: Pathogenic (1). 1 of the submissions does not count toward it. Last evaluated 2024-02-11.

Conditions:
Familial thoracic aortic aneurysm and aortic dissection (TAAD). Also called: Thoracic aortic aneurysms and dissections. Identifiers: Orphanet 91387, MedGen C4707243, MONDO:0019625.
Marfan syndrome (MFS). Also called: FBN1-Related Marfan Syndrome; Marfan syndrome type 1; Marfan's syndrome; Marfan syndrome, classic; MARFAN SYNDROME, TYPE I. Identifiers: Orphanet 284963, Orphanet 558, MedGen C0024796, MONDO:0007947, OMIM 154700.
Stiff skin syndrome (SSKS). Identifiers: Orphanet 2833, MedGen C1861456, MONDO:0008492, OMIM 184900.

Submissions (2):

Labcorp Genetics (formerly Invitae), Labcorp
Classification: Pathogenic for Marfan syndrome; Familial thoracic aortic aneurysm and aortic dissection. Last evaluated: 2024-02-11. Review status: criteria provided, single submitter. Criteria: Invitae Variant Classification Sherloc (09022015). Collection method: clinical testing. Allele origin: germline.
Comment: This sequence change replaces cysteine, which is neutral and slightly polar, with glycine, which is neutral and non-polar, at codon 1577 of the FBN1 protein (p.Cys1577Gly). This variant is not present in population databases (gnomAD no frequency). This missense change has been observed in individuals with stiff skin syndrome (PMID: 20375004; Invitae). ClinVar contains an entry for this variant (Variation ID: 16472). Advanced modeling of protein sequence and biophysical properties (such as structural, functional, and spatial information, amino acid conservation, physicochemical variation, residue mobility, and thermodynamic stability) performed at Invitae indicates that this missense variant is expected to disrupt FBN1 protein function with a positive predictive value of 95%. This variant affects a cysteine residue in the EGF-like, TGFBP or hybrid motif domains of FBN1. Cysteine residues are believed to be involved in intramolecular disulfide bridges and have been shown to be important for FBN1 protein structure (PMID: 16905551, 19349279). In addition, missense substitutions affecting cysteine residues within these domains are significantly overrepresented among patients with Marfan syndrome (PMID: 16571647, 17701892). For these reasons, this variant has been classified as Pathogenic.

OMIM
Classification: Pathogenic for STIFF SKIN SYNDROME. Last evaluated: 2001-11-12. Review status: no assertion criteria provided. Collection method: literature only. Allele origin: germline. Not counted in ClinVar's aggregate classification.

Literature cited by the submitters: PubMed 20375004 (cited by Labcorp Genetics (formerly Invitae), Labcorp); PubMed 16905551 (cited by Labcorp Genetics (formerly Invitae), Labcorp); PubMed 19349279 (cited by Labcorp Genetics (formerly Invitae), Labcorp); PubMed 16571647 (cited by Labcorp Genetics (formerly Invitae), Labcorp); PubMed 17701892 (cited by Labcorp Genetics (formerly Invitae), Labcorp); PubMed 11700157 (cited by OMIM).